The following is an entry in ClinVar:

ClinVar aggregate classification (germline): Benign. Review status: criteria provided, multiple submitters, no conflicts (2 of 4 stars). 3 submissions from 2 submitters: Benign (3). Last evaluated 2018-01-12.

Conditions:
Optic atrophy 3 (OPA3). Also called: OPTIC ATROPHY 3, AUTOSOMAL DOMINANT; Optic atrophy, cataract, and neurologic disorder; Optic atrophy 3 with cataract. Identifiers: Orphanet 67036, MedGen C1833809, MONDO:0008133, OMIM 165300.
3-Methylglutaconic aciduria type 3 (MGCA3). Also called: OPA3, AUTOSOMAL RECESSIVE; OPTIC ATROPHY 3, AUTOSOMAL RECESSIVE; Costeff Syndrome; OPA3-Related 3-Methylglutaconic Aciduria. Identifiers: Orphanet 67047, MedGen C0574084, MONDO:0009787, OMIM 258501.

Allele frequency attached by ClinVar (database versions not stated): 1000 Genomes Project 30x 0.14866; 1000 Genomes Project 0.15455; TOPMed 0.19113; gnomAD 0.21272.
gnomAD v4.1: 199,877 of 784,724 alleles (25%); highest among the groups gnomAD compares: Non-Finnish European, 28%; 27,455 homozygotes.

Submissions (3):

Illumina Laboratory Services, Illumina
Classification: Benign for 3-Methylglutaconic aciduria type 3. Last evaluated: 2018-01-12. Review status: criteria provided, single submitter. Criteria: ICSL Variant Classification Criteria 13 December 2019. Collection method: clinical testing. Allele origin: germline.
Comment: This variant was observed in the ICSL laboratory as part of a predisposition screen in an ostensibly healthy population. It had not been previously curated by ICSL or reported in the Human Gene Mutation Database (HGMD: prior to June 1st, 2018), and was therefore a candidate for classification through an automated scoring system. Utilizing variant allele frequency, disease prevalence and penetrance estimates, and inheritance mode, an automated score was calculated to assess if this variant is too frequent to cause the disease. Based on the score and internal cut-off values, a variant classified as benign is not then subjected to further curation. The score for this variant resulted in a classification of benign for this disease.

Illumina Laboratory Services, Illumina
Classification: Benign for Optic atrophy 3. Last evaluated: 2018-01-12. Review status: criteria provided, single submitter. Criteria: ICSL Variant Classification Criteria 13 December 2019. Collection method: clinical testing. Allele origin: germline.
Comment: the same text as in the submission from Illumina Laboratory Services, Illumina above.

Breakthrough Genomics
Classification: Benign. Review status: criteria provided, single submitter. Criteria: ACMG Guidelines, 2015. Collection method: not provided. Allele origin: germline. Inheritance: Autosomal recessive inheritance. Affected: yes.

NM_025136.4(OPA3):c.*3874G>A

Genes: OPA3 (outer mitochondrial membrane lipid metabolism regulator OPA3; minus strand), OPA3-RTN2 (OPA3-RTN2 readthrough; minus strand). Cytogenetic location: 19q13.32.
Variant type: single nucleotide variant.
Coding change: c.*3874G>A on transcript NM_025136.4 (MANE Select); 3874 bases downstream of the stop codon, G replaced by A.
Molecular consequence: 3 prime UTR variant. On other transcripts: intron variant (1).
Genome position (GRCh38, 1-based): chr19:45,549,640, C>T on the plus strand (G>A on the coding strand, the complement: OPA3 is on the minus strand). VCF-style: chr19-45549640-C-T. GRCh37 (hg19) VCF-style: chr19-46052898-C-T.
Other names: c.143-20184G>A (NM_001017989.3).
Identifiers: ClinVar variation 329617 (VCV000329617.6), dbSNP rs62109650, ClinGen allele CA10642997.